The following is an entry in ClinVar:

NM_001009944.3(PKD1):c.11270-5T>A

Genes: PKD1 (polycystin 1, transient receptor potential channel interacting; minus strand), PKD1-AS1 (PKD1 antisense RNA 1; plus strand). Cytogenetic location: 16p13.3.
Variant type: single nucleotide variant.
Coding change: c.11270-5T>A on transcript NM_001009944.3 (MANE Select); 5 bases into the intron before coding-DNA position 11270, T replaced by A.
Molecular consequence: intron variant.
Genome position (GRCh38, 1-based): chr16:2,092,193, A>T on the plus strand (T>A on the coding strand, the complement: PKD1 is on the minus strand). VCF-style: chr16-2092193-A-T. GRCh37 (hg19) VCF-style: chr16-2142194-A-T.
Other names: c.11267-5T>A (NM_000296.4).
Identifiers: ClinVar variation 5000459 (VCV005000459.1).

ClinVar aggregate classification (germline): Uncertain significance (1 of 4 stars; one submission).

Conditions:
PKD1-related disorder. Also called: PKD1-related condition.

Submission:

PreventionGenetics, part of Exact Sciences
Classification: Uncertain significance for PKD1-related condition. Last evaluated: 2024-11-03. Review status: criteria provided, single submitter. Criteria: ACMG Guidelines, 2015. Collection method: clinical testing. Allele origin: germline.
Comment: The PKD1 c.11270-5T>A variant is predicted to interfere with splicing. To our knowledge, this variant has not been reported in the literature or in a large population database (gnomAD), indicating this variant is rare. Other variants that disrupt this splice acceptor site (c.11270-1G>C, c.11270-2A>C, c.11270-3C>A) have been reported in individuals with polycystic kidney disease (Carrera et al. 2016. PubMed ID: 27499327; Kim. 2019. PubMed ID: 31740684; Doreille. 2023. PubMed ID: 36938085). Although we suspect that this variant may be pathogenic, at this time, the clinical significance of this variant is uncertain due to the absence of conclusive functional and genetic evidence.